The following is an entry in ClinVar:

ClinVar aggregate classification (germline): Uncertain significance (1 of 4 stars; one submission).

Submission:

Labcorp Genetics (formerly Invitae), Labcorp
Classification: Uncertain significance. Last evaluated: 2022-08-17. Review status: criteria provided, single submitter. Criteria: Invitae Variant Classification Sherloc (09022015). Collection method: clinical testing. Allele origin: germline.
Comment: This variant is a gross deletion of the genomic region encompassing exon(s) 16 of the TELO2 gene. This variant would be expected to be in-frame, preserving the integrity of the reading frame. This variant has not been reported in the literature in individuals affected with TELO2-related conditions. Experimental studies and prediction algorithms are not available or were not evaluated, and the functional significance of this variant is currently unknown. In summary, the available evidence is currently insufficient to determine the role of this variant in disease. Therefore, it has been classified as a Variant of Uncertain Significance.

NC_000016.9:g.(?_1555391)_(1555622_?)del

Gene: TELO2 (telomere maintenance 2; plus strand). Cytogenetic location: 16p13.3.
Variant type: Deletion.
Identifiers: ClinVar variation 2426266 (VCV002426266.1).